The following is an entry in ClinVar:

NM_000038.6(APC):c.601dup (p.Glu201fs)

Gene: APC (APC regulator of Wnt signaling pathway; plus strand). Cytogenetic location: 5q22.2.
Variant type: Duplication.
Coding change: c.601dup on transcript NM_000038.6 (MANE Select); coding-DNA position 601, one base duplicated (G; older notation c.601dupG).
Protein change: p.Glu201fs; shifts the reading frame from glutamic acid 201.
Molecular consequence: frameshift variant. On other transcripts: 5 prime UTR variant (4), non-coding transcript variant (2).
Genome position (GRCh38, 1-based): chr5:112,780,859, G duplicated; the last of 2 consecutive G bases (chr5:112,780,858-112,780,859); duplicating either gives the same sequence. VCF-style (leftmost placement, unchanged base first): chr5-112780857-T-TG. GRCh37 (hg19) VCF-style: chr5-112116554-T-TG.
Other names: c.601dup, p.Glu201fs (NM_001127510.3, NM_001354895.2, NM_001354896.2 and 16 more transcripts); c.631dup, p.Glu211fs (NM_001127511.3, NM_001354897.2, NM_001354902.2 and 1 more transcripts); c.526dup, p.Glu176fs (NM_001354898.2, NM_001354904.2, NM_001407451.1); c.424dup, p.Glu142fs (NM_001354900.2, NM_001354901.2, NM_001354905.2 and 1 more transcripts); c.-435dup (NM_001354906.2, NM_001407470.1, NM_001407471.1 and 1 more transcripts); short protein forms E142fs, E176fs, E201fs, E211fs.
Identifiers: ClinVar variation 3254390 (VCV003254390.1), dbSNP rs2532488226.

ClinVar aggregate classification (germline): Pathogenic (1 of 4 stars; one submission).

Conditions:
Familial adenomatous polyposis 1 (FAP1). Also called: FAMILIAL ADENOMATOUS POLYPOSIS 1, ATTENUATED; POLYPOSIS, ADENOMATOUS INTESTINAL. Identifiers: MedGen C2713442, MONDO:0021056, OMIM 175100. Disease mechanism: loss of function.

Submission:

Myriad Genetics, Inc.
Classification: Pathogenic for Familial adenomatous polyposis 1. Last evaluated: 2024-05-30. Review status: criteria provided, single submitter. Criteria: Myriad Autosomal Dominant, Autosomal Recessive and X-Linked Classification Criteria (2023). Collection method: clinical testing. Allele origin: unknown.
Comment: This variant is considered pathogenic. This variant creates a frameshift predicted to result in premature protein truncation.